The following is an entry in ClinVar:

NM_000277.3(PAH):c.830_831insC (p.Thr278fs)

Gene: PAH (phenylalanine hydroxylase; minus strand). Cytogenetic location: 12q23.2.
Variant type: Insertion.
Coding change: c.830_831insC on transcript NM_000277.3 (MANE Select); coding-DNA positions 830 to 831, C inserted.
Protein change: p.Thr278fs; shifts the reading frame from threonine 278.
Molecular consequence: frameshift variant.
Genome position: GRCh38 VCF-style: chr12-102852826-A-AG. GRCh37 (hg19) VCF-style: chr12-103246604-A-AG.
Other names: c.830_831insC, p.Thr278fs (NM_001354304.2); short protein forms T278fs.
Identifiers: ClinVar variation 1162202 (VCV001162202.1), dbSNP rs2136646052, ClinGen allele CA2499221400.
Genomic context (GRCh38, chr12:102,852,826, plus strand): 5'-GATGGCGCTCATTGTGCCTGGCAACTGGTAGCTGGAGGACAGTACTCACGGTTCGGGGGT[A>AG]TACATGGGCTTGGATCCATGTCTGATGTACTGTGTGCAGTGGAAGACTCGGAAGGCCAGG-3'

ClinVar aggregate classification (germline): Likely pathogenic (1 of 4 stars; one submission).

Conditions:
Phenylketonuria (PKU). Also called: Phenylketonurias; Phenylketonuria (PKU); OLIGOPHRENIA PHENYLPYRUVICA; FOLLING DISEASE. Identifiers: Orphanet 716, MedGen C0031485, MONDO:0009861, OMIM 261600. Disease mechanism: loss of function.

Submission:

NxGen MDx
Classification: Likely pathogenic for Phenylketonuria. Last evaluated: 2019-12-02. Review status: criteria provided, single submitter. Criteria: ACMG Guidelines, 2015. Collection method: clinical testing. Allele origin: unknown.
Comment: This variant (c.830_831insC) is predicted to result in a frameshift and premature peptide translation termination or nonsense mediated decay (p.Thr278TyrfsTer5 PVS1). This variant is not found in gnomAD population databases (PM2). Dworniczak et al. (PMID 1363786) describes a frameshift mutation that occurs across this location, c.822_832delGCCCATGTATA that is classified in ClinVar (VCV000102852.3) as pathogenic. We interpret c.830_831insC to be likely pathogenic.

Literature cited by the submitters: PubMed 1363786.